The following is an entry in ClinVar:

NM_001010874.5(TECRL):c.1022del (p.His341fs)

Gene: TECRL (trans-2,3-enoyl-CoA reductase like; minus strand). Cytogenetic location: 4q13.1.
Variant type: Deletion.
Coding change: c.1022del on transcript NM_001010874.5 (MANE Select); coding-DNA position 1022, one base deleted (A; older notation c.1022delA).
Protein change: p.His341fs; shifts the reading frame from histidine 341.
Molecular consequence: frameshift variant. On other transcripts: intron variant (1).
Genome position (GRCh38, 1-based): chr4:64,280,142, T deleted on the plus strand (A on the coding strand, the reverse complement: TECRL is on the minus strand). VCF-style (leftmost placement, unchanged base first): chr4-64280141-AT-A. GRCh37 (hg19) VCF-style: chr4-65145859-AT-A.
Other names: c.964+899del (NM_001363796.1); short protein forms H341fs.
Identifiers: ClinVar variation 4182150 (VCV004182150.1).

ClinVar aggregate classification (germline): Uncertain significance (1 of 4 stars; one submission).

Conditions:
Cardiovascular phenotype. Identifiers: MedGen CN230736.

Submission:

Ambry Genetics
Classification: Uncertain significance for Cardiovascular phenotype. Last evaluated: 2025-07-30. Review status: criteria provided, single submitter. Criteria: Ambry Variant Classification Scheme 2023. Collection method: clinical testing. Allele origin: germline.
Comment: The c.1022delA variant, located in coding exon 12 of the TECRL gene, results from a deletion of one nucleotide at nucleotide position 1022, causing a translational frameshift with a predicted alternate stop codon (p.H341Lfs*5). This alteration occurs at the 3' terminus of theTECRL gene, is not expected to trigger nonsense-mediated mRNAdecay, and impacts the last 6.3% of the protein. This region of the TECRL gene is excluded from other biologically relevant TECRL transcripts. The exact functional effect of this alteration is unknown. Based on the available evidence, the clinical significance of this variant remains unclear.